The following is an entry in ClinVar:

NM_152683.4(PRIMPOL):c.1250G>A (p.Arg417Gln)

Gene: PRIMPOL (primase and DNA directed polymerase; plus strand). Cytogenetic location: 4q35.1.
Variant type: single nucleotide variant.
Coding change: c.1250G>A on transcript NM_152683.4 (MANE Select); coding-DNA position 1250, G replaced by A.
Protein change: p.Arg417Gln; replaces arginine 417 with glutamine.
Molecular consequence: missense variant. On other transcripts: non-coding transcript variant (3).
Genome position (GRCh38, 1-based): chr4:184,685,639, G>A. VCF-style: chr4-184685639-G-A. GRCh37 (hg19) VCF-style: chr4-185606793-G-A.
Other names: c.863G>A, p.Arg288Gln (NM_001300767.2); c.1247G>A, p.Arg416Gln (NM_001300768.2, NM_001345892.2, NM_001345893.2 and 1 more transcripts); c.1250G>A, p.Arg417Gln (NM_001345891.2, NM_001345895.2); c.554G>A, p.Arg185Gln (NM_001345894.2, NM_001345897.2, NM_001345901.2); c.551G>A, p.Arg184Gln (NM_001345898.2); c.998G>A, p.Arg333Gln (NM_001345899.2); c.725G>A, p.Arg242Gln (NM_001345900.2); short protein forms R185Q, R333Q, R184Q, R242Q, R416Q, R288Q, R417Q.
Identifiers: ClinVar variation 4979918 (VCV004979918.1).

ClinVar aggregate classification (germline): Uncertain significance (1 of 4 stars; one submission).

Conditions:
PRIMPOL-related disorder. Also called: PRIMPOL-related condition.

gnomAD v4.1: 68 of 1,610,296 alleles (0.0042%); highest among the groups gnomAD compares: Admixed American, 0.005%; no homozygotes.

Submission:

PreventionGenetics, part of Exact Sciences
Classification: Uncertain significance for PRIMPOL-related condition. Last evaluated: 2026-03-18. Review status: criteria provided, single submitter. Criteria: ACMG Guidelines, 2015. Collection method: clinical testing. Allele origin: germline.
Comment: The PRIMPOL c.1250G>A variant is predicted to result in the amino acid substitution p.Arg417Gln. To our knowledge, this variant has not been reported in the literature. This variant is present in 0.0062% of alleles in individuals of European (Non-Finnish) descent in gnomAD. At this time, the clinical significance of this variant is uncertain due to the absence of conclusive functional and genetic evidence.